The following is an entry in ClinVar:

NM_000426.4(LAMA2):c.4657A>G (p.Thr1553Ala)

Gene: LAMA2 (laminin subunit alpha 2; plus strand). Cytogenetic location: 6q22.33.
Variant type: single nucleotide variant.
Coding change: c.4657A>G on transcript NM_000426.4 (MANE Select); coding-DNA position 4657, A replaced by G.
Protein change: p.Thr1553Ala; replaces threonine 1553 with alanine.
Molecular consequence: missense variant.
Genome position (GRCh38, 1-based): chr6:129,353,297, A>G. VCF-style: chr6-129353297-A-G. GRCh37 (hg19) VCF-style: chr6-129674442-A-G.
Other names: c.4657A>G, p.Thr1553Ala (NM_001079823.2); short protein forms T1553A.
Identifiers: ClinVar variation 546352 (VCV000546352.2), dbSNP rs1450772080, ClinGen allele CA365618704.
Genomic context (GRCh38, chr6:129,353,297, plus strand): 5'-GGCTCACTGCCTGTGCCCTGTGACCCTGTCACAGGATTCTGCACGTGCCGACCTGGAGCC[A>G]CGGGAAGGAAGTGTGACGGCTGCAAGCACTGGCATGCACGCGAGGGCTGGGAGTGTGTTT-3'
Protein context (NP_000417.3, residues 1543-1563): TGFCTCRPGA[Thr1553Ala]GRKCDGCKHW

ClinVar aggregate classification (germline): Uncertain significance (1 of 4 stars; one submission).

Allele frequency attached by ClinVar (database versions not stated): gnomAD exomes below 0.00001; TOPMed 0.00001.
gnomAD v4.1: 3 of 1,614,052 alleles (0.00019%); highest among the groups gnomAD compares: East Asian, 0.0022%; no homozygotes.

Submission:

GeneDx
Classification: Uncertain significance. Last evaluated: 2018-05-16. Review status: criteria provided, single submitter. Criteria: GeneDx Variant Classification (06012015). Collection method: clinical testing. Allele origin: germline. Affected: yes.
Comment: A variant of uncertain significance has been identified in the LAMA2 gene. The T1553A variant has not been published as a pathogenic variant, nor has it been reported as a benign variant to our knowledge. The T1553A variant is not observed at a significant frequency in large population cohorts (Lek et al., 2016). The T1553A variant is a non-conservative amino acid substitution, which is likely to impact secondary protein structure as these residues differ in polarity, charge, size and/or other properties. In-silico analyses, including protein predictors and evolutionary conservation, support a deleterious effect. Based on the currently available information, it is unclear whether this variant is a pathogenic variant or a rare benign variant.